The following continues an entry in ClinVar:

NM_001943.5(DSG2):c.2434G>A (p.Gly812Ser)

ClinVar aggregate classification (germline): Conflicting classifications of pathogenicity. Likely pathogenic (1); Uncertain significance (9).

Submissions 6 to 12 of 12:

All of Us Research Program, National Institutes of Health
Classification: Uncertain significance for Arrhythmogenic right ventricular cardiomyopathy. Last evaluated: 2024-09-23. Review status: criteria provided, single submitter. Criteria: ACMG Guidelines, 2015. Collection method: clinical testing. Allele origin: germline. Inheritance: Autosomal dominant inheritance. Observed: 25 variant alleles, 25 heterozygotes.
Comment: This missense variant replaces glycine with serine at codon 812 of the DSG2 protein. Computational prediction suggests that this variant may not impact protein structure and function (internally defined REVEL score threshold <= 0.5, PMID: 27666373). An experimental study has suggested that this variant does not cause significant loss of cell-cell cohesion in vitro (PMID: 25213555). This variant has been identified in four individuals affected with arrhythmogenic right ventricular cardiomyopathy in one family and absent in five unaffected family members (PMID: 20708101). This variant has been reported in another six individuals affected with or suspected of having arrhythmogenic right ventricular cardiomyopathy (PMID: 27532257, 28454995, 28567303, 32114801, 36621286), in an individual affected with left ventricular noncompaction cardiomyopathy after pericarditis (PMID: 32516855), in an individual with unspecified cardiomyopathy (PMID: 30847666), and in a few exome-sequencing participants not selected for cardiomyopathy phenotype (PMID: 24055113, 26633542). This variant has also been identified in 11/280834 chromosomes in the general population by the Genome Aggregation Database (gnomAD). The available evidence is insufficient to determine the role of this variant in disease conclusively. Therefore, this variant is classified as a Variant of Uncertain Significance.

This study involves interpretation of variants in research participants for the purpose of population health screening. Participant phenotype was not available at the time of variant classification. Additional details can be found in publication PMID: 35346344, PMCID: PMC8962531

Blueprint Genetics
Classification: Uncertain significance. Last evaluated: 2022-12-09. Review status: criteria provided, single submitter. Criteria: ACMG Guidelines, 2015. Collection method: clinical testing. Allele origin: germline.

CHEO Genetics Diagnostic Laboratory, Children's Hospital of Eastern Ontario
Classification: Uncertain significance for Cardiomyopathy. Last evaluated: 2021-10-19. Review status: criteria provided, single submitter. Criteria: ACMG Guidelines, 2015. Collection method: clinical testing. Allele origin: germline.

GeneDx
Classification: Uncertain significance. Last evaluated: 2020-03-27. Review status: criteria provided, single submitter. Criteria: GeneDx Variant Classification Process June 2021. Collection method: clinical testing. Allele origin: germline. Affected: yes.
Comment: In silico analysis supports that this missense variant has a deleterious effect on protein structure/function; This variant is associated with the following publications: (PMID: 30615648, 25213555, 23911551, 27532257, 28567303, 26633542, 20708101, 28454995, 30847666, 32516855, 31402444)

CeGaT Center for Human Genetics Tuebingen
Classification: Likely pathogenic. Last evaluated: 2018-11-01. Review status: criteria provided, single submitter. Criteria: CeGaT Center For Human Genetics Tuebingen Variant Classification Criteria Version 2. Collection method: clinical testing. Allele origin: germline. Affected: yes. Observed: 2 variant alleles.

Clinical Genetics DNA and cytogenetics Diagnostics Lab, Erasmus MC, Erasmus Medical Center
Classification: Uncertain significance. Review status: no assertion criteria provided. Collection method: clinical testing. Allele origin: germline. Affected: yes. Study: VKGL Data-share Consensus. Not counted in ClinVar's aggregate classification.

Clinical Genetics, Academic Medical Center
Classification: Uncertain significance. Review status: no assertion criteria provided. Collection method: clinical testing. Allele origin: germline. Affected: yes. Study: VKGL Data-share Consensus. Not counted in ClinVar's aggregate classification.

Literature cited by the submitters: PubMed 20031617 (cited by Labcorp Genetics (formerly Invitae), Labcorp); PubMed 20708101 (cited by 4 submitters); PubMed 27532257 (cited by 4 submitters); PubMed 28454995 (cited by 4 submitters); PubMed 30847666 (cited by 4 submitters); PubMed 32516855 (cited by 4 submitters); PubMed 25213555 (cited by 4 submitters); PubMed 16773573 (cited by Labcorp Genetics (formerly Invitae), Labcorp); PubMed 24055113 (cited by Color Diagnostics, LLC DBA Color Health and All of Us Research Program, National Institutes of Health); PubMed 26633542 (cited by 3 submitters); PubMed 28567303 (cited by 3 submitters); PubMed 32114801 (cited by Color Diagnostics, LLC DBA Color Health and All of Us Research Program, National Institutes of Health); PubMed 36621286 (cited by Color Diagnostics, LLC DBA Color Health and All of Us Research Program, National Institutes of Health); PubMed 34426522 (cited by Ambry Genetics).